The following is an entry in ClinVar:

NM_004525.3(LRP2):c.3343A>C (p.Thr1115Pro)

Gene: LRP2 (LDL receptor related protein 2; minus strand). Cytogenetic location: 2q31.1.
Variant type: single nucleotide variant.
Coding change: c.3343A>C on transcript NM_004525.3 (MANE Select); coding-DNA position 3343, A replaced by C.
Protein change: p.Thr1115Pro; replaces threonine 1115 with proline.
Molecular consequence: missense variant.
Genome position (GRCh38, 1-based): chr2:169,244,780, T>G on the plus strand (A>C on the coding strand, the complement: LRP2 is on the minus strand). VCF-style: chr2-169244780-T-G. GRCh37 (hg19) VCF-style: chr2-170101290-T-G.
Other names: short protein forms T1115P.
Identifiers: ClinVar variation 2095596 (VCV002095596.1), dbSNP rs1689941322, ClinGen allele CA349151465.
Genomic context (GRCh38, chr2:169,244,780, plus strand): 5'-CACAATCATTGTCTGTGTCACAGACCCAGTTCTTTGAGATACACTGGTGATTATCACAGG[T>G]GTATTGGGTGTCAAGGCAGGAAGCAGGTGCGTGGGTGGGGCAGTTGTGCTCATCACTGCC-3'
Protein context (NP_004516.2, residues 1105-1125): APASCLDTQY[Thr1115Pro]CDNHQCISKN

ClinVar aggregate classification (germline): Uncertain significance (1 of 4 stars; one submission).

Allele frequency attached by ClinVar (database versions not stated): TOPMed below 0.00001.

Submission:

Labcorp Genetics (formerly Invitae), Labcorp
Classification: Uncertain significance. Last evaluated: 2022-02-09. Review status: criteria provided, single submitter. Criteria: Invitae Variant Classification Sherloc (09022015). Collection method: clinical testing. Allele origin: germline.
Comment: This sequence change replaces threonine, which is neutral and polar, with proline, which is neutral and non-polar, at codon 1115 of the LRP2 protein (p.Thr1115Pro). This variant is not present in population databases (gnomAD no frequency). This variant has not been reported in the literature in individuals affected with LRP2-related conditions. Advanced modeling of protein sequence and biophysical properties (such as structural, functional, and spatial information, amino acid conservation, physicochemical variation, residue mobility, and thermodynamic stability) performed at Invitae indicates that this missense variant is expected to disrupt LRP2 protein function. In summary, the available evidence is currently insufficient to determine the role of this variant in disease. Therefore, it has been classified as a Variant of Uncertain Significance.